The following is an entry in ClinVar:

ClinVar aggregate classification (germline): Pathogenic/Likely pathogenic. Review status: criteria provided, multiple submitters, no conflicts (2 of 4 stars). 6 submissions from 6 submitters: Pathogenic (3); Likely pathogenic (1). 2 of the submissions do not count toward it. Last evaluated 2024-11-12.

Conditions:
Hearing loss, autosomal recessive. Also called: Deafness, autosomal recessive; Nonsyndromic Hearing Loss, Recessive; Rare autosomal recessive non-syndromic sensorineural deafness type DFNB; Autosomal recessive nonsyndromic deafness. Identifiers: Orphanet 90635, Orphanet 90636, MedGen C1846647, MONDO:0019588, OMIM 607197.
Autosomal recessive nonsyndromic hearing loss 8 (DFNB8). Also called: Deafness, autosomal recessive 10; NEUROSENSORY NONSYNDROMIC RECESSIVE DEAFNESS 8. Identifiers: Orphanet 90636, MedGen C1832827, MONDO:0010987, OMIM 601072.

Allele frequency attached by ClinVar (database versions not stated): gnomAD below 0.00001 and 0.00001; TOPMed 0.00001; gnomAD exomes 0.00002 and 0.00004; ExAC 0.00005.
gnomAD v4.1: 26 of 1,613,624 alleles (0.0016%); highest among the groups gnomAD compares: South Asian, 0.027%; no homozygotes.

Submissions (6):

Foundation for Research in Genetics and Endocrinology, FRIGE's Institute of Human Genetics
Classification: Likely pathogenic for Autosomal recessive nonsyndromic hearing loss 8. Last evaluated: 2024-11-12. Review status: criteria provided, single submitter. Criteria: ACMG Guidelines, 2015. Collection method: clinical testing. Allele origin: germline. Inheritance: Autosomal recessive inheritance. Affected: yes. Observed: 1 homozygote.
Comment: A homozygous missense variant in exon 12 of the TMPRSS3 gene that results in the amino acid substitution of Arginine for Cystine at codon 406 was detected. The observed variant c.1216T>C (p.Cys406Arg) has not been reported in the 1000 genomes and has a MAF of 0.0016% in the gnomAD databases. The in silico prediction of the variant are possibly damaging by MutationTaster2 and DANN. In summary, the variant meets our criteria to be classified as likely pathogenic.

GeneDx
Classification: Pathogenic. Last evaluated: 2024-04-01. Review status: criteria provided, single submitter. Criteria: GeneDx Variant Classification Process June 2021. Collection method: clinical testing. Allele origin: germline. Affected: yes.
Comment: Published functional studies demonstrate defective protease activity of the variant protein compared to wild-type (PMID: 12920079), and failure to undergo proteolytic cleavage and activate the epithelial sodium channel (ENaC) in vitro (PMID: 12393794); In silico analysis supports that this missense variant has a deleterious effect on protein structure/function; This variant is associated with the following publications: (PMID: 15447792, 12393794, 12920079, 11424922, 32842620, 11907649, 36568422, 21534946)

Labcorp Genetics (formerly Invitae), Labcorp
Classification: Pathogenic. Last evaluated: 2023-12-03. Review status: criteria provided, single submitter. Criteria: Invitae Variant Classification Sherloc (09022015). Collection method: clinical testing. Allele origin: germline.
Comment: This sequence change replaces cysteine, which is neutral and slightly polar, with arginine, which is basic and polar, at codon 407 of the TMPRSS3 protein (p.Cys407Arg). This variant is present in population databases (rs773780151, gnomAD 0.03%). This missense change has been observed in individuals with hearing loss (PMID: 11424922). It has also been observed to segregate with disease in related individuals. ClinVar contains an entry for this variant (Variation ID: 996724). Advanced modeling of protein sequence and biophysical properties (such as structural, functional, and spatial information, amino acid conservation, physicochemical variation, residue mobility, and thermodynamic stability) performed at Invitae indicates that this missense variant is expected to disrupt TMPRSS3 protein function with a positive predictive value of 95%. Experimental studies have shown that this missense change affects TMPRSS3 function (PMID: 12920079). For these reasons, this variant has been classified as Pathogenic.

Fulgent Genetics
Classification: Pathogenic for Autosomal recessive nonsyndromic hearing loss 8. Last evaluated: 2022-02-03. Review status: criteria provided, single submitter. Criteria: ACMG Guidelines, 2015. Collection method: clinical testing. Allele origin: unknown.

Dr.Nikuei Genetic Center
Classification: Pathogenic for Autosomal recessive nonsyndromic hearing loss 8. Review status: no assertion criteria provided. Collection method: clinical testing. Allele origin: germline. Inheritance: Autosomal recessive inheritance. Affected: yes. Not counted in ClinVar's aggregate classification.

University of Washington Center for Mendelian Genomics, University of Washington
Classification: Likely pathogenic for non-syndromic autosomal recessive hearing loss. Review status: no assertion criteria provided. Collection method: research. Allele origin: inherited. Affected: yes. Not counted in ClinVar's aggregate classification.

Literature cited by the submitters: PubMed 11424922 (cited by Labcorp Genetics (formerly Invitae), Labcorp); PubMed 12920079 (cited by Labcorp Genetics (formerly Invitae), Labcorp); PubMed 30303587 (cited by University of Washington Center for Mendelian Genomics, University of Washington).

NM_001256317.3(TMPRSS3):c.1216T>C (p.Cys406Arg)

Gene: TMPRSS3 (transmembrane serine protease 3; minus strand). Cytogenetic location: 21q22.3.
Variant type: single nucleotide variant.
Coding change: c.1216T>C on transcript NM_001256317.3 (MANE Select); coding-DNA position 1216, T replaced by C.
Protein change: p.Cys406Arg; replaces cysteine 406 with arginine.
Molecular consequence: missense variant.
Genome position (GRCh38, 1-based): chr21:42,375,844, A>G on the plus strand (T>C on the coding strand, the complement: TMPRSS3 is on the minus strand). VCF-style: chr21-42375844-A-G. GRCh37 (hg19) VCF-style: chr21-43795953-A-G.
Other names: p.Cys406Arg; c.1219T>C, p.Cys407Arg (NM_024022.4); c.838T>C, p.Cys280Arg (NM_032404.3); short protein forms C280R, C406R, C407R.
Identifiers: ClinVar variation 996724 (VCV000996724.11), dbSNP rs773780151, ClinGen allele CA10042275.